The following is an entry in ClinVar:

NM_001042492.3(NF1):c.7009_7020del (p.Leu2337_Gln2340del)

Gene: NF1 (neurofibromin 1; plus strand). Cytogenetic location: 17q11.2.
Variant type: Deletion.
Coding change: c.7009_7020del on transcript NM_001042492.3 (MANE Select); coding-DNA positions 7009 to 7020, 12 bases deleted (CTTCTTGAACAA).
Protein change: p.Leu2337_Gln2340del.
Molecular consequence: inframe deletion. On other transcripts: inframe indel (1).
Genome position (GRCh38, 1-based): chr17:31,340,592-31,340,603, CTTCTTGAACAA deleted; deleting any 12 consecutive bases within chr17:31,340,591-31,340,603 gives the same sequence; the c. name uses the placement nearest the transcript's 3' end. VCF-style (leftmost placement, unchanged base first): chr17-31340590-CACTTCTTGAACA-C. GRCh37 (hg19) VCF-style: chr17-29667608-CACTTCTTGAACA-C.
Other names: c.6946_6957delCTTCTTGAACAA, p.Leu2316_Gln2319del (NM_000267.4).
Identifiers: ClinVar variation 2121011 (VCV002121011.4), dbSNP rs2508770502, ClinGen allele CA2580093195.

ClinVar aggregate classification (germline): Pathogenic (1 of 4 stars; one submission).

Conditions:
Neurofibromatosis, type 1 (NF1). Also called: NEUROFIBROMATOSIS, TYPE I, SOMATIC; Neurofibromatosis, type I; Peripheral type neurofibromatosis; VON RECKLINGHAUSEN DISEASE. Identifiers: Orphanet 636, MedGen C0027831, MONDO:0018975, OMIM 162200. Disease mechanism: loss of function.

Submission:

Labcorp Genetics (formerly Invitae), Labcorp
Classification: Pathogenic for Neurofibromatosis, type 1. Last evaluated: 2022-04-03. Review status: criteria provided, single submitter. Criteria: Invitae Variant Classification Sherloc (09022015). Collection method: clinical testing. Allele origin: germline.
Comment: This variant, c.6946_6957del, results in the deletion of 4 amino acid(s) of the NF1 protein (p.Leu2316_Gln2319del), but otherwise preserves the integrity of the reading frame. This variant is not present in population databases (gnomAD no frequency). This variant has not been reported in the literature in individuals affected with NF1-related conditions. This variant disrupts a region of the NF1 protein in which other variant(s) (p.Leu2317Pro) have been determined to be pathogenic (PMID: 10534774, 27322474; Invitae). This suggests that this is a clinically significant region of the protein, and that variants that disrupt it are likely to be disease-causing. For these reasons, this variant has been classified as Pathogenic.

Literature cited by the submitters: PubMed 10534774; PubMed 27322474.